The following is an entry in ClinVar:

ClinVar aggregate classification (germline): Benign (0 of 4 stars; one submission).

Conditions:
DAAM2-related disorder. Also called: DAAM2-related condition.

Allele frequency attached by ClinVar (database versions not stated): 1000 Genomes Project 30x 0.00453; ESP Exome Variant Server 0.00461; gnomAD 0.00467; 1000 Genomes Project 0.00499.
gnomAD v4.1: 1,898 of 1,611,824 alleles (0.12%); highest among the groups gnomAD compares: African/African-American, 1.6%; 12 homozygotes.

Submission:

PreventionGenetics, part of Exact Sciences
Classification: Benign for DAAM2-related condition. Last evaluated: 2019-05-24. Review status: no assertion criteria provided. Collection method: clinical testing. Allele origin: germline.
Comment: This variant is classified as benign based on ACMG/AMP sequence variant interpretation guidelines (Richards et al. 2015 PMID: 25741868, with internal and published modifications).

NM_001201427.2(DAAM2):c.314G>A (p.Arg105His)

Gene: DAAM2 (dishevelled associated activator of morphogenesis 2; plus strand). Cytogenetic location: 6p21.2.
Variant type: single nucleotide variant.
Coding change: c.314G>A on transcript NM_001201427.2 (MANE Select); coding-DNA position 314, G replaced by A.
Protein change: p.Arg105His; replaces arginine 105 with histidine.
Molecular consequence: missense variant.
Genome position (GRCh38, 1-based): chr6:39,864,488, G>A. VCF-style: chr6-39864488-G-A. GRCh37 (hg19) VCF-style: chr6-39832264-G-A.
Other names: c.314G>A, p.Arg105His (NM_015345.4); short protein forms R105H.
Identifiers: ClinVar variation 3039055 (VCV003039055.2), dbSNP rs6919807, ClinGen allele CA3794687.
Genomic context (GRCh38, chr6:39,864,488, plus strand): 5'-TTCAGGAGCAGGAGGACCCCAACAAGCTGGCAACCAGCTGGCCTGACTATTACATCGACC[G>A]CATCAATTCCATGGCTGCGGTGAGTGGCTGCCCCTCTCCTGCCCTGCCCCCACCTGGAAA-3'
Protein context (NP_001188356.1, residues 95-115): ATSWPDYYID[Arg105His]INSMAAMQSL